The following is an entry in ClinVar:

ClinVar aggregate classification (germline): Uncertain significance. Review status: criteria provided, multiple submitters, no conflicts (2 of 4 stars). 2 submissions from 2 submitters: Uncertain significance (2). Last evaluated 2025-02-07.

Conditions:
Spinocerebellar ataxia type 35. Identifiers: Orphanet 276193, MedGen C3888031, MONDO:0013485, OMIM 613908.

Allele frequency attached by ClinVar (database versions not stated): TOPMed below 0.00001; ExAC 0.00001; gnomAD exomes 0.00001.
gnomAD v4.1: 16 of 1,613,662 alleles (0.00099%); highest among the groups gnomAD compares: Middle Eastern, 0.033%; no homozygotes.

Submissions (2):

Athena Diagnostics
Classification: Uncertain significance. Last evaluated: 2025-02-07. Review status: criteria provided, single submitter. Criteria: Athena Diagnostics Criteria. Collection method: clinical testing. Allele origin: unknown.
Comment: Available data are insufficient to determine the clinical significance of the variant at this time. The frequency of this variant in the general population is uninformative in assessment of its pathogenicity. This variant has been seen where an alternate explanation for disease was also identified, suggesting this variant may not cause disease. Polyphen and MutationTaster predict this amino acid change may be benign.

Illumina Laboratory Services, Illumina
Classification: Uncertain significance for Spinocerebellar ataxia type 35. Last evaluated: 2018-01-12. Review status: criteria provided, single submitter. Criteria: ICSL Variant Classification Criteria 13 December 2019. Collection method: clinical testing. Allele origin: germline.

NM_198994.3(TGM6):c.1501G>A (p.Val501Met)

Gene: TGM6 (transglutaminase 6; plus strand). Cytogenetic location: 20p13.
Variant type: single nucleotide variant.
Coding change: c.1501G>A on transcript NM_198994.3 (MANE Select); coding-DNA position 1501, G replaced by A.
Protein change: p.Val501Met; replaces valine 501 with methionine.
Molecular consequence: missense variant.
Genome position (GRCh38, 1-based): chr20:2,417,396, G>A. VCF-style: chr20-2417396-G-A. GRCh37 (hg19) VCF-style: chr20-2398042-G-A.
Other names: c.1501G>A, p.Val501Met (NM_001254734.2); short protein forms V501M.
Identifiers: ClinVar variation 337929 (VCV000337929.6), dbSNP rs764377731, ClinGen allele CA9732116.